The following is an entry in ClinVar:

NM_004006.3(DMD):c.6049C>A (p.Leu2017Ile)

Gene: DMD (dystrophin; minus strand). Cytogenetic location: Xp21.1.
Variant type: single nucleotide variant.
Coding change: c.6049C>A on transcript NM_004006.3 (MANE Select); coding-DNA position 6049, C replaced by A.
Protein change: p.Leu2017Ile; replaces leucine 2017 with isoleucine.
Molecular consequence: missense variant.
Genome position (GRCh38, 1-based): chrX:32,310,150, G>T on the plus strand (C>A on the coding strand, the complement: DMD is on the minus strand). VCF-style: chrX-32310150-G-T. GRCh37 (hg19) VCF-style: chrX-32328267-G-T.
Other names: c.6025C>A, p.Leu2009Ile (NM_000109.4); c.6037C>A, p.Leu2013Ile (NM_004009.3); c.5680C>A, p.Leu1894Ile (NM_004010.3); c.2026C>A, p.Leu676Ile (NM_004011.4); c.2017C>A, p.Leu673Ile (NM_004012.4); short protein forms L673I, L2013I, L2017I, L676I, L1894I, L2009I.
Identifiers: ClinVar variation 650031 (VCV000650031.15), dbSNP rs201532491, ClinGen allele CA10378553.
Genomic context (GRCh38, chrX:32,310,150, plus strand): 5'-ACTCCTCTTGCTTAAAGAGATCTTCAAAGTCCTTAGCACAGAGGTCAGGAGCATTGAGAA[G>T]TTGTTCCACTTCTAATAGGGCTTGTGAGACATGAGTGATTTCAGTCAAATAAGTAGAAGG-3'
Protein context (NP_003997.2, residues 2007-2027): VSQALLEVEQ[Leu2017Ile]LNAPDLCAKD

ClinVar aggregate classification (germline): Conflicting classifications of pathogenicity. Review status: criteria provided, conflicting classifications (1 of 4 stars). 6 submissions from 6 submitters: Uncertain significance (3); Likely benign (2). 1 of the submissions does not count toward it. Last evaluated 2025-10-02.

Conditions:
Dystrophin deficiency.
Becker muscular dystrophy (BMD). Also called: Becker Muscular Dystrophy (BMD); MUSCULAR DYSTROPHY, PSEUDOHYPERTROPHIC PROGRESSIVE, BECKER TYPE. Identifiers: Orphanet 98895, MedGen C0917713, MONDO:0010311, OMIM 300376.
Cardiomyopathy (CMYO). Also called: Cardiomyopathies. Identifiers: Orphanet 167848, MedGen C0878544, MONDO:0004994, HP:0001638. Inheritance: Various modes of inheritance.
Duchenne muscular dystrophy (DMD). Also called: Duchenne Muscular Dystrophy (DMD); MUSCULAR DYSTROPHY, PSEUDOHYPERTROPHIC PROGRESSIVE, DUCHENNE TYPE. Identifiers: Orphanet 98896, MedGen C0013264, MONDO:0010679, OMIM 310200.
Cardiovascular phenotype. Identifiers: MedGen CN230736.
Dilated cardiomyopathy 3B (CMD3B). Also called: CMD3B: DMD-Related Dilated Cardiomyopathy; CARDIOMYOPATHY, DILATED, X-LINKED; DMD-Associated Dilated Cardiomyopathy. Identifiers: Orphanet 154, MedGen C3668940, MONDO:0010542, OMIM 302045.

Allele frequency attached by ClinVar (database versions not stated): ExAC 0.00001; gnomAD exomes 0.00001; TOPMed 0.00003; gnomAD 0.00004; ESP Exome Variant Server 0.00009.
gnomAD v4.1: 9 of 1,207,812 alleles (0.00075%); highest among the groups gnomAD compares: Admixed American, 0.0088%; no homozygotes.

Submissions (6):

Labcorp Genetics (formerly Invitae), Labcorp
Classification: Likely benign for Duchenne muscular dystrophy. Last evaluated: 2025-10-02. Review status: criteria provided, single submitter. Criteria: Invitae Variant Classification Sherloc (09022015). Collection method: clinical testing. Allele origin: germline.

Blueprint Genetics
Classification: Likely benign. Last evaluated: 2023-03-01. Review status: criteria provided, single submitter. Criteria: ACMG Guidelines, 2015. Collection method: clinical testing. Allele origin: germline.

Ambry Genetics
Classification: Uncertain significance for Cardiovascular phenotype. Last evaluated: 2021-01-08. Review status: criteria provided, single submitter. Criteria: Ambry Variant Classification Scheme 2023. Collection method: clinical testing. Allele origin: germline.
Comment: The p.L2017I variant (also known as c.6049C>A), located in coding exon 42 of the DMD gene, results from a C to A substitution at nucleotide position 6049. The leucine at codon 2017 is replaced by isoleucine, an amino acid with highly similar properties. Based on data from gnomAD, the A allele has an overall frequency of <0.01% (3/204223) total alleles studied, with 1 hemizygote(s) observed. The highest observed frequency was <0.01% (1/27883) of Latino alleles.This amino acid position is not well conserved in available vertebrate species, and isoleucine is the reference amino acid in other vertebrate species. In addition, this alteration is predicted to be tolerated by in silico analysis. Since supporting evidence is limited at this time, the clinical significance of this alteration remains unclear.

Women's Health and Genetics/Laboratory Corporation of America, LabCorp
Classification: Uncertain significance. Last evaluated: 2020-04-02. Review status: criteria provided, single submitter. Criteria: LabCorp Variant Classification Summary - May 2015. Collection method: clinical testing. Allele origin: germline.
Comment: Variant summary: DMD c.6049C>A (p.Leu2017Ile) results in a conservative amino acid change located in the Central rod domain, Repeat 16 (Actin binding - ABD2), of the encoded protein sequence. Five of five in-silico tools predict a benign effect of the variant on protein function. The variant allele was found at a frequency of 1.1e-05 in 182268 control chromosomes (gnomAD). The available data on variant occurrences in the general population are insufficient to allow any conclusion about variant significance. To our knowledge, no occurrence of c.6049C>A in individuals affected with Dystrophinopathies and no experimental evidence demonstrating its impact on protein function have been reported. One ClinVar submitter (evaluation after 2014) cites the variant uncertain significance. Based on the evidence outlined above, the variant was classified as uncertain significance.

Illumina Laboratory Services, Illumina
Classification: Uncertain significance for Dilated cardiomyopathy 3B. Last evaluated: 2018-01-13. Review status: criteria provided, single submitter. Criteria: ICSL Variant Classification Criteria 13 December 2019. Collection method: clinical testing. Allele origin: germline.

Natera, Inc.
Classification: Uncertain significance for Becker muscular dystrophy; Cardiomyopathy; Duchenne muscular dystrophy; Dystrophin deficiency. Last evaluated: 2019-07-10. Review status: no assertion criteria provided. Collection method: clinical testing. Allele origin: germline. Not counted in ClinVar's aggregate classification.